The following is an entry in ClinVar:

NM_022081.6(HPS4):c.451del (p.Ser151fs)

Gene: HPS4 (HPS4 biogenesis of lysosomal organelles complex 3 subunit 2; minus strand). Cytogenetic location: 22q12.1.
Variant type: Deletion.
Coding change: c.451del on transcript NM_022081.6 (MANE Select); coding-DNA position 451, one base deleted (A; older notation c.451delA).
Protein change: p.Ser151fs; shifts the reading frame from serine 151.
Molecular consequence: frameshift variant. On other transcripts: non-coding transcript variant (8).
Genome position (GRCh38, 1-based): chr22:26,472,352, T deleted on the plus strand (A on the coding strand, the reverse complement: HPS4 is on the minus strand). VCF-style (leftmost placement, unchanged base first): chr22-26472351-CT-C. GRCh37 (hg19) VCF-style: chr22-26868317-CT-C.
Other names: c.451del, p.Ser151fs (NM_001349896.1, NM_001349898.2, NM_001349899.2 and 6 more transcripts); c.451delA, p.Ser151Valfs (NM_001410832.1); c.436del, p.Ser146fs (NM_152841.2); short protein forms S146fs, S151fs.
Identifiers: ClinVar variation 2072993 (VCV002072993.4), dbSNP rs2518471430, ClinGen allele CA2580099342.
Genomic context (GRCh38, chr22:26,472,351, plus strand): 5'-GAAAATGTTACTTTAGTTTGGTCCAAGTTCCAGAGGGAATTGAAAATCTTATGCAGATCA[CT>C]GGTGTTTTTCAGAATTTGCTCGATGAAGGTGTCCCACTCCGTGCTCAGTTCTTCCTGAGA-3'

ClinVar aggregate classification (germline): Pathogenic (1 of 4 stars; one submission).

Submission:

Labcorp Genetics (formerly Invitae), Labcorp
Classification: Pathogenic. Last evaluated: 2022-10-17. Review status: criteria provided, single submitter. Criteria: Invitae Variant Classification Sherloc (09022015). Collection method: clinical testing. Allele origin: germline.
Comment: This variant is not present in population databases (gnomAD no frequency). This sequence change creates a premature translational stop signal (p.Ser151Valfs*24) in the HPS4 gene. It is expected to result in an absent or disrupted protein product. Loss-of-function variants in HPS4 are known to be pathogenic (PMID: 12664304). This variant has not been reported in the literature in individuals affected with HPS4-related conditions. For these reasons, this variant has been classified as Pathogenic.

Literature cited by the submitters: PubMed 12664304.